The following is an entry in ClinVar:

NM_001292063.2(OTOG):c.5828C>T (p.Thr1943Met)

Gene: OTOG (otogelin; plus strand). Cytogenetic location: 11p15.1.
Variant type: single nucleotide variant.
Coding change: c.5828C>T on transcript NM_001292063.2 (MANE Select); coding-DNA position 5828, C replaced by T.
Protein change: p.Thr1943Met; replaces threonine 1943 with methionine.
Molecular consequence: missense variant.
Genome position (GRCh38, 1-based): chr11:17,611,128, C>T. VCF-style: chr11-17611128-C-T. GRCh37 (hg19) VCF-style: chr11-17632675-C-T.
Other names: c.5864C>T, p.Thr1955Met (NM_001277269.2); short protein forms T1955M, T1943M.
Identifiers: ClinVar variation 226901 (VCV000226901.18), dbSNP rs75677194, ClinGen allele CA5905956.

ClinVar aggregate classification (germline): Benign. Review status: criteria provided, multiple submitters, no conflicts (2 of 4 stars). 5 submissions from 5 submitters: Benign (5). Last evaluated 2026-01-29.

Allele frequency attached by ClinVar (database versions not stated): ExAC 0.00187; gnomAD 0.00619 and 0.00673; TOPMed 0.00668; 1000 Genomes Project 30x 0.00671; 1000 Genomes Project 0.00679.
gnomAD v4.1: 1,870 of 1,550,606 alleles (0.12%); highest among the groups gnomAD compares: African/African-American, 2.2%; 17 homozygotes.

Submissions (5):

Labcorp Genetics (formerly Invitae), Labcorp
Classification: Benign. Last evaluated: 2026-01-29. Review status: criteria provided, single submitter. Criteria: Invitae Variant Classification Sherloc (09022015). Collection method: clinical testing. Allele origin: germline.

Mayo Clinic Laboratories, Mayo Clinic
Classification: Benign. Last evaluated: 2024-10-24. Review status: criteria provided, single submitter. Criteria: ACMG Guidelines, 2015. Collection method: clinical testing. Allele origin: germline. Observed: 2 variant alleles.
Comment: BA1, BS2

GeneDx
Classification: Benign. Last evaluated: 2019-09-23. Review status: criteria provided, single submitter. Criteria: GeneDx Variant Classification Process June 2021. Collection method: clinical testing. Allele origin: germline. Affected: yes.

Laboratory for Molecular Medicine, Mass General Brigham Personalized Medicine
Classification: Benign. Last evaluated: 2014-11-24. Review status: criteria provided, single submitter. Criteria: LMM Criteria. Collection method: clinical testing. Allele origin: germline. Observed: 4 variant alleles.
Comment: Thr1955Met in exon 35 of OTOG: This variant is not expected to have clinical sig nificance because it has been identified in 3.4% (6/176) of Yoruba (Nigerian) ch romosomes from a broad population by the 1000 Genomes Project (dbSNP rs75677194).

Breakthrough Genomics
Classification: Benign. Review status: criteria provided, single submitter. Criteria: ACMG Guidelines, 2015. Collection method: not provided. Allele origin: germline. Inheritance: Autosomal recessive inheritance. Affected: yes.